The following is an entry in ClinVar:

ClinVar aggregate classification (germline): Uncertain significance (1 of 4 stars; one submission).

Conditions:
BAP1-related tumor predisposition syndrome (TPDS1). Also called: Tumor susceptibility linked to germline BAP1 mutations; COMMON Syndrome; TUMOR PREDISPOSITION SYNDROME 1; BAP1 tumor predisposition syndrome. Identifiers: Orphanet 289539, MedGen C3280492, MONDO:0013692, OMIM 614327.

Submission:

Labcorp Genetics (formerly Invitae), Labcorp
Classification: Uncertain significance for BAP1-related tumor predisposition syndrome. Last evaluated: 2022-10-05. Review status: criteria provided, single submitter. Criteria: Invitae Variant Classification Sherloc (09022015). Collection method: clinical testing. Allele origin: germline.
Comment: In summary, the available evidence is currently insufficient to determine the role of this variant in disease. Therefore, it has been classified as a Variant of Uncertain Significance. Advanced modeling of protein sequence and biophysical properties (such as structural, functional, and spatial information, amino acid conservation, physicochemical variation, residue mobility, and thermodynamic stability) performed at Invitae indicates that this missense variant is not expected to disrupt BAP1 protein function. This variant has not been reported in the literature in individuals affected with BAP1-related conditions. This variant is not present in population databases (gnomAD no frequency). This sequence change replaces glutamic acid, which is acidic and polar, with aspartic acid, which is acidic and polar, at codon 620 of the BAP1 protein (p.Glu620Asp).

NM_004656.4(BAP1):c.1860G>T (p.Glu620Asp)

Gene: BAP1 (BRCA1 associated deubiquitinase 1; minus strand). Cytogenetic location: 3p21.1.
Variant type: single nucleotide variant.
Coding change: c.1860G>T on transcript NM_004656.4 (MANE Select); coding-DNA position 1860, G replaced by T.
Protein change: p.Glu620Asp; replaces glutamic acid 620 with aspartic acid.
Molecular consequence: missense variant.
Genome position (GRCh38, 1-based): chr3:52,403,168, C>A on the plus strand (G>T on the coding strand, the complement: BAP1 is on the minus strand). VCF-style: chr3-52403168-C-A. GRCh37 (hg19) VCF-style: chr3-52437184-C-A.
Other names: c.1806G>T, p.Glu602Asp (NM_001410772.1); short protein forms E602D, E620D.
Identifiers: ClinVar variation 1720981 (VCV001720981.6), dbSNP rs2153226448, ClinGen allele CA353098091.